The following is an entry in ClinVar:

ClinVar aggregate classification (germline): Uncertain significance (1 of 4 stars; one submission).

Conditions:
Hereditary cancer-predisposing syndrome. Also called: Tumor predisposition; Hereditary neoplastic syndrome; Neoplastic Syndromes, Hereditary; Hereditary Cancer Syndrome. Identifiers: Orphanet 140162, MedGen C0027672, MeSH D009386, MONDO:0015356.

Submission:

Ambry Genetics
Classification: Uncertain significance for Hereditary cancer-predisposing syndrome. Last evaluated: 2019-04-17. Review status: criteria provided, single submitter. Criteria: Ambry Variant Classification Scheme 2023. Collection method: clinical testing. Allele origin: germline.
Comment: The p.E400G variant (also known as c.1199A>G), located in coding exon 4 of the MSH6 gene, results from an A to G substitution at nucleotide position 1199. The glutamic acid at codon 400 is replaced by glycine, an amino acid with similar properties. This amino acid position is well conserved in available vertebrate species. In addition, the in silico prediction for this alteration is inconclusive. In addition, the CoDP in silico tool predicts this alteration to have minor impact on molecular function, with a score of 0.052 (Terui H et al. J. Biomed. Sci. 2013 Apr;20:25). Since supporting evidence is limited at this time, the clinical significance of this alteration remains unclear.

NM_000179.3(MSH6):c.1199A>G (p.Glu400Gly)

Gene: MSH6 (mutS homolog 6; plus strand). Cytogenetic location: 2p16.3.
Variant type: single nucleotide variant.
Coding change: c.1199A>G on transcript NM_000179.3 (MANE Select); coding-DNA position 1199, A replaced by G.
Protein change: p.Glu400Gly; replaces glutamic acid 400 with glycine.
Molecular consequence: missense variant.
Genome position (GRCh38, 1-based): chr2:47,799,182, A>G. VCF-style: chr2-47799182-A-G. GRCh37 (hg19) VCF-style: chr2-48026321-A-G.
Other names: c.809A>G, p.Glu270Gly (NM_001281492.2); c.293A>G, p.Glu98Gly (NM_001281493.2, NM_001281494.2); short protein forms E270G, E400G, E98G.
Identifiers: ClinVar variation 818555 (VCV000818555.4), dbSNP rs932458640, ClinGen allele CA346743406.